The following is an entry in ClinVar:

NM_000554.6(CRX):c.365G>A (p.Gly122Asp)

Gene: CRX (cone-rod homeobox; plus strand). Cytogenetic location: 19q13.33.
Variant type: single nucleotide variant.
Coding change: c.365G>A on transcript NM_000554.6 (MANE Select); coding-DNA position 365, G replaced by A.
Protein change: p.Gly122Asp; replaces glycine 122 with aspartic acid.
Molecular consequence: missense variant.
Genome position (GRCh38, 1-based): chr19:47,839,432, G>A. VCF-style: chr19-47839432-G-A. GRCh37 (hg19) VCF-style: chr19-48342689-G-A.
Other names: short protein forms G122D.
Identifiers: ClinVar variation 99604 (VCV000099604.38), dbSNP rs61748441, ClinGen allele CA179944.

ClinVar aggregate classification (germline): Benign/Likely benign. Review status: criteria provided, multiple submitters, no conflicts (2 of 4 stars). 13 submissions from 11 submitters: Benign (7); Likely benign (4). 2 of the submissions do not count toward it. Last evaluated 2026-02-02.

Conditions:
Retinal dystrophy. Also called: Inherited retinal dystrophy. Identifiers: Orphanet 71862, MedGen C0854723, MeSH D058499, MONDO:0019118, HP:0000556.
Cone-rod dystrophy 2 (CORD2). Also called: CONE-ROD RETINAL DYSTROPHY; Cone-rod retinal dystrophy 2. Identifiers: Orphanet 1872, MedGen C3489532, MONDO:0007362, OMIM 120970.
Leber congenital amaurosis 7 (LCA7). Identifiers: Orphanet 65, MedGen C3151192, MONDO:0013449, OMIM 613829.
Retinitis pigmentosa (RP). Identifiers: Orphanet 791, MedGen C0035334, MeSH D012174, MONDO:0019200, OMIM 268000. Inheritance: Autosomal dominant, autosomal recessive and X linked inheritance.
Central core myopathy (CMYO1A). Also called: CONGENITAL MYOPATHY 1A, AUTOSOMAL DOMINANT, WITH SUSCEPTIBILITY TO MALIGNANT HYPERTHERMIA; Central core disease; Myopathy, central fibrillar. Identifiers: Orphanet 597, MedGen C5830701, MONDO:0007294, OMIM 117000.

Allele frequency attached by ClinVar (database versions not stated): ESP Exome Variant Server 0.00069; 1000 Genomes Project 30x 0.00906; gnomAD 0.00614 and 0.00617; 1000 Genomes Project 0.00839; ExAC 0.00913; TOPMed 0.01000.
gnomAD v4.1: 5,047 of 1,613,832 alleles (0.31%); highest among the groups gnomAD compares: Admixed American, 7.8%; 233 homozygotes.

Submissions (13):

Labcorp Genetics (formerly Invitae), Labcorp
Classification: Benign for Cone-rod dystrophy 2; Leber congenital amaurosis 7. Last evaluated: 2026-02-02. Review status: criteria provided, single submitter. Criteria: Invitae Variant Classification Sherloc (09022015). Collection method: clinical testing. Allele origin: germline.

ARUP Laboratories, Molecular Genetics and Genomics, ARUP Laboratories
Classification: Benign. Last evaluated: 2023-11-11. Review status: criteria provided, single submitter. Criteria: ARUP Molecular Germline Variant Investigation Process 2024. Collection method: clinical testing. Allele origin: germline.

Dept Of Ophthalmology, Nagoya University
Classification: Benign for Retinal dystrophy. Last evaluated: 2023-10-01. Review status: criteria provided, single submitter. Criteria: Submitter's publication. Collection method: research. Allele origin: germline. Affected: yes.

GeneDx
Classification: Benign. Last evaluated: 2019-06-15. Review status: criteria provided, single submitter. Criteria: GeneDx Variant Classification Process June 2021. Collection method: clinical testing. Allele origin: germline. Affected: yes.
Comment: This variant is associated with the following publications: (PMID: 31626798, 28512305, 27535533, 16123401)

Illumina Laboratory Services, Illumina
Classification: Likely benign for Retinitis pigmentosa. Last evaluated: 2017-04-27. Review status: criteria provided, single submitter. Criteria: ICSL Variant Classification Criteria 13 December 2019. Collection method: clinical testing. Allele origin: germline.
Comment: This variant was observed as part of a predisposition screen in an ostensibly healthy population. A literature search was performed for the gene, cDNA change, and amino acid change (where applicable). Publications were found based on this search. The evidence from the literature, in combination with allele frequency data from public databases where available, was sufficient to determine this variant is unlikely to cause disease. Therefore, this variant is classified as likely benign.

Illumina Laboratory Services, Illumina
Classification: Likely benign for Cone-rod dystrophy 2. Last evaluated: 2017-04-27. Review status: criteria provided, single submitter. Criteria: ICSL Variant Classification Criteria 13 December 2019. Collection method: clinical testing. Allele origin: germline.
Comment: the same text as in the submission from Illumina Laboratory Services, Illumina above.

Illumina Laboratory Services, Illumina
Classification: Likely benign for Leber congenital amaurosis 7. Last evaluated: 2017-04-27. Review status: criteria provided, single submitter. Criteria: ICSL Variant Classification Criteria 13 December 2019. Collection method: clinical testing. Allele origin: germline.
Comment: the same text as in the submission from Illumina Laboratory Services, Illumina above.

Center for Pediatric Genomic Medicine, Children's Mercy Hospital and Clinics
Classification: Benign. Last evaluated: 2016-01-13. Review status: criteria provided, single submitter. Criteria: ACMG Guidelines, 2015. Collection method: clinical testing. Allele origin: germline.

Eurofins Ntd Llc (ga)
Classification: Benign. Last evaluated: 2013-12-27. Review status: criteria provided, single submitter. Criteria: EGL Classification Definitions 2015. Collection method: clinical testing. Allele origin: germline. Observed: 4 variant alleles, 4 heterozygotes.

Breakthrough Genomics
Classification: Likely benign. Review status: criteria provided, single submitter. Criteria: ACMG Guidelines, 2015. Collection method: not provided. Allele origin: germline. Inheritance: Autosomal dominant inheritance. Affected: yes.

Broad Center for Mendelian Genomics, Broad Institute of MIT and Harvard
Classification: Benign for Central core myopathy. Review status: criteria provided, single submitter. Criteria: ACMG Guidelines, 2015. Collection method: research. Allele origin: germline. Affected: yes.
Comment: The p.Gly122Asp variant in CRX has not been previously reported in individuals with Leber congenital amaurosis but was included on an array of >300 variants for this disease (PMID: 16123401), and has also been identified in >9% of Latino chromosomes and 60 homozygotes by ExAC. In summary, this variant meets criteria to be classified as benign for Leber congenital amaurosis.

Department of Ophthalmology and Visual Sciences Kyoto University
Classification: Likely benign. Review status: no assertion criteria provided. Collection method: not provided. Allele origin: unknown. Not counted in ClinVar's aggregate classification.
ClinVar note: Converted during submission from probable-non-pathogenic to Likely benign.

Retina International
No classification provided. Review status: no classification provided. Collection method: not provided. Allele origin: unknown. Not counted in ClinVar's aggregate classification.

Literature cited by the submitters: PubMed 23049240 (cited by Illumina Laboratory Services, Illumina); PubMed 11139241 (cited by Illumina Laboratory Services, Illumina); PubMed 16123401 (cited by Illumina Laboratory Services, Illumina and Broad Center for Mendelian Genomics, Broad Institute of MIT and Harvard); PubMed 17964524 (cited by Illumina Laboratory Services, Illumina and Eurofins Ntd Llc (ga)).